The following is an entry in ClinVar:

NM_001733.7(C1R):c.3-154C>G

Gene: C1R (complement C1r; minus strand). Cytogenetic location: 12p13.31.
Variant type: single nucleotide variant.
Coding change: c.3-154C>G on transcript NM_001733.7 (MANE Select); 154 bases into the intron before coding-DNA position 3, C replaced by G.
Molecular consequence: intron variant. On other transcripts: 5 prime UTR variant (1).
Genome position (GRCh38, 1-based): chr12:7,091,834, G>C on the plus strand (C>G on the coding strand, the complement: C1R is on the minus strand). VCF-style: chr12-7091834-G-C. GRCh37 (hg19) VCF-style: chr12-7244430-G-C.
Other names: c.-18C>G (NM_001354346.2).
Identifiers: ClinVar variation 3768279 (VCV003768279.1).

ClinVar aggregate classification (germline): Benign (1 of 4 stars; one submission).

gnomAD v4.1: 39 of 702,990 alleles (0.0055%); highest among the groups gnomAD compares: African/African-American, 0.061%; no homozygotes.

Submission:

Women's Health and Genetics/Laboratory Corporation of America, LabCorp
Classification: Benign. Last evaluated: 2024-12-04. Review status: criteria provided, single submitter. Criteria: LabCorp Variant Classification Summary - May 2015. Collection method: clinical testing. Allele origin: germline.
Comment: Variant summary: C1R c.3-154C>G is located at a position not widely known to affect splicing and also corresponds to c.-18C>G in NM_001354346. Several computational tools predict a significant impact on normal splicing: Four predict the variant creates a 3' acceptor site. However, these predictions have yet to be confirmed by functional studies. The variant allele was found at a frequency of 5.5e-05 in 702990 control chromosomes, predominantly at a frequency of 0.00061 within the African or African-American subpopulation in the gnomAD database. The observed variant frequency within African or African-American control individuals in the gnomAD database is approximately 610-fold of the estimated maximal expected allele frequency for a pathogenic variant in C1R causing Ehlers-Danlos syndrome, periodontal type 1 phenotype (1e-06). To our knowledge, no occurrence of c.3-154C>G in individuals affected with Ehlers-Danlos syndrome, periodontal type 1 and no experimental evidence demonstrating its impact on protein function have been reported. No submitters have cited clinical-significance assessments for this variant to ClinVar. Based on the evidence outlined above, the variant was classified as benign.